The following is an entry in ClinVar:

ClinVar aggregate classification (germline): Likely benign. Review status: criteria provided, single submitter (1 of 4 stars). 2 submissions from 2 submitters: Likely benign (1). 1 of the submissions does not count toward it. Last evaluated 2025-02-03.

Conditions:
ERCC6L2-related disorder. Also called: ERCC6L2-related condition.

Allele frequency attached by ClinVar (database versions not stated): gnomAD 0.00001; ExAC 0.00016; gnomAD exomes 0.00004.

Submissions (2):

Labcorp Genetics (formerly Invitae), Labcorp
Classification: Likely benign. Last evaluated: 2025-02-03. Review status: criteria provided, single submitter. Criteria: Invitae Variant Classification Sherloc (09022015). Collection method: clinical testing. Allele origin: germline.

PreventionGenetics, part of Exact Sciences
Classification: Likely benign for ERCC6L2-related condition. Last evaluated: 2021-08-17. Review status: no assertion criteria provided. Collection method: clinical testing. Allele origin: germline. Not counted in ClinVar's aggregate classification.
Comment: This variant is classified as likely benign based on ACMG/AMP sequence variant interpretation guidelines (Richards et al. 2015 PMID: 25741868, with internal and published modifications).

NM_020207.7(ERCC6L2):c.3750C>T (p.Ala1250=)

Gene: ERCC6L2 (ERCC excision repair 6 like 2; plus strand). Cytogenetic location: 9q22.32.
Variant type: single nucleotide variant.
Coding change: c.3750C>T on transcript NM_020207.7 (MANE Select); coding-DNA position 3750, C replaced by T.
Protein change: p.Ala1250=; no amino-acid change (alanine 1250 retained).
Molecular consequence: synonymous variant. On other transcripts: non-coding transcript variant (1), intron variant (2).
Genome position (GRCh38, 1-based): chr9:96,012,300, C>T. VCF-style: chr9-96012300-C-T. GRCh37 (hg19) VCF-style: chr9-98774582-C-T.
Other names: c.3783C>T (NM_020207.4); c.3674+7599C>T (NM_001375291.1, NM_001375292.1).
Identifiers: ClinVar variation 2960942 (VCV002960942.5), dbSNP rs761294300, ClinGen allele CA5139991.